The following is an entry in ClinVar:

NM_003718.5(CDK13):c.1583G>C (p.Ser528Thr)

Gene: CDK13 (cyclin dependent kinase 13; plus strand). Cytogenetic location: 7p14.1.
Variant type: single nucleotide variant.
Coding change: c.1583G>C on transcript NM_003718.5 (MANE Select); coding-DNA position 1583, G replaced by C.
Protein change: p.Ser528Thr; replaces serine 528 with threonine.
Molecular consequence: missense variant.
Genome position (GRCh38, 1-based): chr7:39,987,970, G>C. VCF-style: chr7-39987970-G-C. GRCh37 (hg19) VCF-style: chr7-40027569-G-C.
Other names: c.1583G>C, p.Ser528Thr (NM_031267.4); short protein forms S528T.
Identifiers: ClinVar variation 1028144 (VCV001028144.1), dbSNP rs1338306814, ClinGen allele CA367283422.

ClinVar aggregate classification (germline): Uncertain significance (1 of 4 stars; one submission).

Conditions:
Congenital heart defects, dysmorphic facial features, and intellectual developmental disorder (CHDFIDD). Identifiers: Orphanet 646278, MedGen C4479246, MONDO:0044302, OMIM 617360.

Submission:

Baylor Genetics
Classification: Uncertain significance for Congenital heart defects, dysmorphic facial features, and intellectual developmental disorder. Last evaluated: 2019-12-13. Review status: criteria provided, single submitter. Criteria: ACMG Guidelines, 2015. Collection method: clinical testing. Allele origin: unknown. Affected: yes.
Comment: This variant was determined to be of uncertain significance according to ACMG Guidelines, 2015 [PMID:25741868].